The following is an entry in ClinVar:

ClinVar aggregate classification (germline): Likely pathogenic. Review status: criteria provided, multiple submitters, no conflicts (2 of 4 stars). 2 submissions from 2 submitters: Likely pathogenic (2). Last evaluated 2025-08-01.

Conditions:
Autosomal recessive nonsyndromic hearing loss 8 (DFNB8). Also called: NEUROSENSORY NONSYNDROMIC RECESSIVE DEAFNESS 8; Deafness, autosomal recessive 10. Identifiers: Orphanet 90636, MedGen C1832827, MONDO:0010987, OMIM 601072.

gnomAD v4.1: 4 of 1,614,130 alleles (0.00025%); highest among the groups gnomAD compares: Non-Finnish European, 0.00034%; no homozygotes.

Submissions (2):

Women's Health and Genetics/Laboratory Corporation of America, LabCorp
Classification: Likely pathogenic for Autosomal recessive nonsyndromic hearing loss 8. Last evaluated: 2025-08-01. Review status: criteria provided, single submitter. Criteria: LabCorp Variant Classification Summary - May 2015. Collection method: clinical testing. Allele origin: germline.
Comment: Variant summary: TMPRSS3 c.1029G>C (p.Trp343Cys) results in a non-conservative amino acid change located in the Serine proteases, trypsin domain (IPR001254) of the encoded protein sequence. Algorithms developed to predict the effect of missense changes on protein structure and function all suggest that this variant is likely to be disruptive. The variant was absent in 251276 control chromosomes. c.1029G>C has been observed in at least one homozygous individual affected with severe to profound sensorineural hearing loss (e.g. Budde_2020). These data indicate that the variant may be associated with disease. To our knowledge, no experimental evidence demonstrating an impact on protein function has been reported. A different variant affecting the same codon (c.1028G>C, p.Trp343Ser) has been classified as Likely pathogenic/Pathogenic in ClinVar, suggesting a critical role of codon 343 in TMPRSS3 protein function. The following publication has been ascertained in the context of this evaluation (PMID: 32279305). ClinVar contains an entry for this variant (Variation ID: 2982422). Based on the evidence outlined above, the variant was classified as likely pathogenic.

Labcorp Genetics (formerly Invitae), Labcorp
Classification: Likely pathogenic. Last evaluated: 2023-12-17. Review status: criteria provided, single submitter. Criteria: Invitae Variant Classification Sherloc (09022015). Collection method: clinical testing. Allele origin: germline.
Comment: This sequence change replaces tryptophan, which is neutral and slightly polar, with cysteine, which is neutral and slightly polar, at codon 343 of the TMPRSS3 protein (p.Trp343Cys). This variant is not present in population databases (gnomAD no frequency). This missense change has been observed in individual(s) with autosomal recessive deafness (PMID: 32279305). Advanced modeling of protein sequence and biophysical properties (such as structural, functional, and spatial information, amino acid conservation, physicochemical variation, residue mobility, and thermodynamic stability) performed at Invitae indicates that this missense variant is expected to disrupt TMPRSS3 protein function with a positive predictive value of 95%. This variant disrupts the p.Trp343 amino acid residue in TMPRSS3. Other variant(s) that disrupt this residue have been determined to be pathogenic (PMID: 25770132, 32860223; Invitae). This suggests that this residue is clinically significant, and that variants that disrupt this residue are likely to be disease-causing. In summary, the currently available evidence indicates that the variant is pathogenic, but additional data are needed to prove that conclusively. Therefore, this variant has been classified as Likely Pathogenic.

Literature cited by the submitters: PubMed 32279305 (cited by Women's Health and Genetics/Laboratory Corporation of America, LabCorp and Labcorp Genetics (formerly Invitae), Labcorp); PubMed 25770132 (cited by Labcorp Genetics (formerly Invitae), Labcorp); PubMed 32860223 (cited by Labcorp Genetics (formerly Invitae), Labcorp).

NM_001256317.3(TMPRSS3):c.1029G>C (p.Trp343Cys)

Gene: TMPRSS3 (transmembrane serine protease 3; minus strand). Cytogenetic location: 21q22.3.
Variant type: single nucleotide variant.
Coding change: c.1029G>C on transcript NM_001256317.3 (MANE Select); coding-DNA position 1029, G replaced by C.
Protein change: p.Trp343Cys; replaces tryptophan 343 with cysteine.
Molecular consequence: missense variant.
Genome position (GRCh38, 1-based): chr21:42,380,136, C>G on the plus strand (G>C on the coding strand, the complement: TMPRSS3 is on the minus strand). VCF-style: chr21-42380136-C-G. GRCh37 (hg19) VCF-style: chr21-43800245-C-G.
Other names: c.1029G>C, p.Trp343Cys (NM_024022.4); c.648G>C, p.Trp216Cys (NM_032404.3); short protein forms W343C, W216C.
Identifiers: ClinVar variation 2982422 (VCV002982422.6), dbSNP rs2517107344, ClinGen allele CA410370731.